The following is an entry in ClinVar:

ClinVar aggregate classification (germline): Uncertain significance (1 of 4 stars; one submission).

Conditions:
Cystic fibrosis (CF). Also called: MUCOVISCIDOSIS. Identifiers: Orphanet 586, MedGen C0010674, MONDO:0009061, OMIM 219700. Disease mechanism: loss of function.

Submission:

Ambry Genetics
Classification: Uncertain significance for Cystic fibrosis. Last evaluated: 2023-05-13. Review status: criteria provided, single submitter. Criteria: Ambry Variant Classification Scheme 2023. Collection method: clinical testing. Allele origin: germline.
Comment: The p.K1457M variant (also known as c.4370A>T), located in coding exon 27 of the CFTR gene, results from an A to T substitution at nucleotide position 4370. The lysine at codon 1457 is replaced by methionine, an amino acid with similar properties. This amino acid position is conserved. In addition, the in silico prediction for this alteration is inconclusive. Since supporting evidence is limited at this time, the clinical significance of this alteration remains unclear.

NM_000492.4(CFTR):c.4370A>T (p.Lys1457Met)

Genes: CFTR (CF transmembrane conductance regulator; plus strand), LOC111674477 (CFTR intron 23 enhancer; plus strand). Cytogenetic location: 7q31.2.
Variant type: single nucleotide variant.
Coding change: c.4370A>T on transcript NM_000492.4 (MANE Select); coding-DNA position 4370, A replaced by T.
Protein change: p.Lys1457Met; replaces lysine 1457 with methionine.
Molecular consequence: missense variant.
Genome position (GRCh38, 1-based): chr7:117,667,035, A>T. VCF-style: chr7-117667035-A-T. GRCh37 (hg19) VCF-style: chr7-117307089-A-T.
Other names: short protein forms K1457M.
Identifiers: ClinVar variation 2562515 (VCV002562515.2), dbSNP rs2485185833, ClinGen allele CA368985158.